The following is an entry in ClinVar:

NC_000005.10:g.52989287T>C

Genes: ITGA2 (integrin subunit alpha 2; plus strand), ITGA2-AS1 (ITGA2 antisense RNA 1; minus strand), LOC129993879 (ATAC-STARR-seq lymphoblastoid silent region 16003; plus strand). Cytogenetic location: 5q11.2.
Variant type: single nucleotide variant.
Genome position: GRCh38 VCF-style: chr5-52989287-T-C. GRCh37 (hg19) VCF-style: chr5-52285117-T-C.
Identifiers: ClinVar variation 1237373 (VCV001237373.5), dbSNP rs28095, ClinGen allele CA12000214.

ClinVar aggregate classification (germline): Benign. Review status: criteria provided, multiple submitters, no conflicts (2 of 4 stars). 2 submissions from 2 submitters: Benign (2). Last evaluated 2018-11-12.

Allele frequency attached by ClinVar (database versions not stated): TOPMed 0.61111; 1000 Genomes Project 30x 0.61618; 1000 Genomes Project 0.61781; gnomAD exomes 0.64310.

Submissions (2):

GeneDx
Classification: Benign. Last evaluated: 2018-11-12. Review status: criteria provided, single submitter. Criteria: GeneDx Variant Classification Process June 2021. Collection method: clinical testing. Allele origin: germline. Affected: yes.
Comment: This variant is associated with the following publications: (PMID: 26202972, 11313353)

Breakthrough Genomics
Classification: Benign. Review status: criteria provided, single submitter. Criteria: ACMG Guidelines, 2015. Collection method: not provided. Allele origin: germline. Inheritance: Unknown mechanism. Affected: yes.